The following is an entry in ClinVar:

ClinVar aggregate classification (germline): Uncertain significance (1 of 4 stars; one submission).

Allele frequency attached by ClinVar (database versions not stated): gnomAD exomes below 0.00001.
gnomAD v4.1: 2 of 1,418,194 alleles (0.00014%); highest among the groups gnomAD compares: South Asian, 0.0015%; no homozygotes.

Submission:

Labcorp Genetics (formerly Invitae), Labcorp
Classification: Uncertain significance. Last evaluated: 2024-03-07. Review status: criteria provided, single submitter. Criteria: Invitae Variant Classification Sherloc (09022015). Collection method: clinical testing. Allele origin: germline.
Comment: This sequence change replaces proline, which is neutral and non-polar, with serine, which is neutral and polar, at codon 547 of the MAGEL2 protein (p.Pro547Ser). This variant is not present in population databases (gnomAD no frequency). This variant has not been reported in the literature in individuals affected with MAGEL2-related conditions. Advanced modeling of protein sequence and biophysical properties (such as structural, functional, and spatial information, amino acid conservation, physicochemical variation, residue mobility, and thermodynamic stability) performed at Invitae indicates that this missense variant is not expected to disrupt MAGEL2 protein function with a negative predictive value of 80%. In summary, the available evidence is currently insufficient to determine the role of this variant in disease. Therefore, it has been classified as a Variant of Uncertain Significance.

NM_019066.5(MAGEL2):c.1639C>T (p.Pro547Ser)

Gene: MAGEL2 (MAGE family member L2; minus strand). Cytogenetic location: 15q11.2.
Variant type: single nucleotide variant.
Coding change: c.1639C>T on transcript NM_019066.5 (MANE Select); coding-DNA position 1639, C replaced by T.
Protein change: p.Pro547Ser; replaces proline 547 with serine.
Molecular consequence: missense variant.
Genome position (GRCh38, 1-based): chr15:23,646,104, G>A on the plus strand (C>T on the coding strand, the complement: MAGEL2 is on the minus strand). VCF-style: chr15-23646104-G-A. GRCh37 (hg19) VCF-style: chr15-23891251-G-A.
Other names: short protein forms P547S.
Identifiers: ClinVar variation 3009318 (VCV003009318.3), dbSNP rs2140715466, ClinGen allele CA391333629.
Genomic context (GRCh38, chr15:23,646,104, plus strand): 5'-GCAGCACAGGCTGGGGCACCTGCGGGCCAGCGGGCGGCGCCGCGGGTACCTGCGTAGCAG[G>A]TGGGGCCGTAGGCACCTGCGGCGCCGCCTGCACCTGCGGGGCCGGCAGCCTAGCCTGCGG-3'
Protein context (NP_061939.3, residues 537-557): QAAPQVPTAP[Pro547Ser]ATQVPAAPPA